The following is an entry in ClinVar:

ClinVar aggregate classification (germline): Conflicting classifications of pathogenicity. Review status: criteria provided, conflicting classifications (1 of 4 stars). 2 submissions from 2 submitters: Uncertain significance (1); Likely benign (1). Last evaluated 2024-01-23.

Conditions:
Cardiovascular phenotype. Identifiers: MedGen CN230736.
Dilated cardiomyopathy 1JJ (CMD1JJ). Identifiers: Orphanet 154, MedGen C3808935, MONDO:0014095, OMIM 615235.

Allele frequency attached by ClinVar (database versions not stated): gnomAD exomes below 0.00001.
gnomAD v4.1: 5 of 1,614,038 alleles (0.00031%); highest among the groups gnomAD compares: South Asian, 0.0011%; no homozygotes.

Submissions (2):

Ambry Genetics
Classification: Likely benign for Cardiovascular phenotype. Last evaluated: 2024-01-23. Review status: criteria provided, single submitter. Criteria: Ambry Variant Classification Scheme 2023. Collection method: clinical testing. Allele origin: germline.

Labcorp Genetics (formerly Invitae), Labcorp
Classification: Uncertain significance for Dilated cardiomyopathy 1JJ. Last evaluated: 2023-06-15. Review status: criteria provided, single submitter. Criteria: Invitae Variant Classification Sherloc (09022015). Collection method: clinical testing. Allele origin: germline.
Comment: This sequence change replaces proline, which is neutral and non-polar, with leucine, which is neutral and non-polar, at codon 1022 of the LAMA4 protein (p.Pro1022Leu). This variant is not present in population databases (gnomAD no frequency). This variant has not been reported in the literature in individuals affected with LAMA4-related conditions. ClinVar contains an entry for this variant (Variation ID: 474177). An algorithm developed to predict the effect of missense changes on protein structure and function (PolyPhen-2) suggests that this variant is likely to be tolerated. In summary, the available evidence is currently insufficient to determine the role of this variant in disease. Therefore, it has been classified as a Variant of Uncertain Significance.

NM_001105206.3(LAMA4):c.3086C>T (p.Pro1029Leu)

Gene: LAMA4 (laminin subunit alpha 4; minus strand). Cytogenetic location: 6q21.
Variant type: single nucleotide variant.
Coding change: c.3086C>T on transcript NM_001105206.3 (MANE Select); coding-DNA position 3086, C replaced by T.
Protein change: p.Pro1029Leu; replaces proline 1029 with leucine.
Molecular consequence: missense variant.
Genome position (GRCh38, 1-based): chr6:112,139,776, G>A on the plus strand (C>T on the coding strand, the complement: LAMA4 is on the minus strand). VCF-style: chr6-112139776-G-A. GRCh37 (hg19) VCF-style: chr6-112460978-G-A.
Other names: c.3065C>T, p.Pro1022Leu (NM_001105207.3, NM_002290.5); c.3065C>T (NM_002290.3); short protein forms P1022L, P1029L.
Identifiers: ClinVar variation 474177 (VCV000474177.9), dbSNP rs797025921, ClinGen allele CA365379223.
Genomic context (GRCh38, chr6:112,139,776, plus strand): 5'-ATATCCAAGTCTTTAGTACTCTTAACTGTCTCTTACCGGGCACATGGCACTGATGTGGAG[G>A]GGTCCATATTATAGATGTGCTTAAAGTTGTACAAGCTGATCACATCATTATTCAAAGTGG-3'
Protein context (NP_001098676.2, residues 1019-1039): YNFKHIYNMD[Pro1029Leu]STSVPCARDK